The following is an entry in ClinVar:

ClinVar aggregate classification (germline): Uncertain significance (1 of 4 stars; one submission).

gnomAD v4.1: 5 of 1,614,236 alleles (0.00031%); highest among the groups gnomAD compares: South Asian, 0.0022%; 1 homozygote.

Submission:

Labcorp Genetics (formerly Invitae), Labcorp
Classification: Uncertain significance. Last evaluated: 2023-10-08. Review status: criteria provided, single submitter. Criteria: Invitae Variant Classification Sherloc (09022015). Collection method: clinical testing. Allele origin: germline.
Comment: This sequence change replaces arginine, which is basic and polar, with histidine, which is basic and polar, at codon 32 of the ATP2B2 protein (p.Arg32His). This variant is present in population databases (no rsID available, gnomAD 0.006%), including at least one homozygous and/or hemizygous individual. This variant has not been reported in the literature in individuals affected with ATP2B2-related conditions. Advanced modeling of protein sequence and biophysical properties (such as structural, functional, and spatial information, amino acid conservation, physicochemical variation, residue mobility, and thermodynamic stability) performed at Invitae indicates that this missense variant is not expected to disrupt ATP2B2 protein function. In summary, the available evidence is currently insufficient to determine the role of this variant in disease. Therefore, it has been classified as a Variant of Uncertain Significance.

NM_001001331.4(ATP2B2):c.95G>A (p.Arg32His)

Gene: ATP2B2 (ATPase plasma membrane Ca2+ transporting 2; minus strand). Cytogenetic location: 3p25.3.
Variant type: single nucleotide variant.
Coding change: c.95G>A on transcript NM_001001331.4 (MANE Select); coding-DNA position 95, G replaced by A.
Protein change: p.Arg32His; replaces arginine 32 with histidine.
Molecular consequence: missense variant.
Genome position (GRCh38, 1-based): chr3:10,449,449, C>T on the plus strand (G>A on the coding strand, the complement: ATP2B2 is on the minus strand). VCF-style: chr3-10449449-C-T. GRCh37 (hg19) VCF-style: chr3-10491133-C-T.
Other names: c.95G>A, p.Arg32His (NM_001330611.3, NM_001353564.1, NM_001363862.1 and 1 more transcripts); short protein forms R32H.
Identifiers: ClinVar variation 3004267 (VCV003004267.3), dbSNP rs1012015300, ClinGen allele CA351782835.
Genomic context (GRCh38, chr3:10,449,449, plus strand): 5'-TCCCCATAAGTCTCCTTGATCTTGACCACAGCCTCAGTGCCCCGCAGCTCCATGAGGGAG[C>T]GGAGCTCCTCCATTGTGCACCCGAACTCGCCCCCATGGCTCGACTCATTTCTTTGGTTTT-3'
Protein context (NP_001001331.1, residues 22-42): GEFGCTMEEL[Arg32His]SLMELRGTEA